The following is an entry in ClinVar:

NM_018076.5(ODAD2):c.2741del (p.Asn914fs)

Gene: ODAD2 (outer dynein arm docking complex subunit 2; minus strand). Cytogenetic location: 10p12.1.
Variant type: Deletion.
Coding change: c.2741del on transcript NM_018076.5 (MANE Select); coding-DNA position 2741, one base deleted (A; older notation c.2741delA).
Protein change: p.Asn914fs; shifts the reading frame from asparagine 914.
Molecular consequence: frameshift variant.
Genome position (GRCh38, 1-based): chr10:27,862,492, T deleted on the plus strand (A on the coding strand, the reverse complement: ODAD2 is on the minus strand); the first of 4 consecutive T bases (chr10:27,862,492-27,862,495); deleting any one gives the same sequence. VCF-style (leftmost placement, unchanged base first): chr10-27862491-AT-A. GRCh37 (hg19) VCF-style: chr10-28151420-AT-A.
Other names: c.2741del, p.Asn914fs (NM_001290020.2); c.1316del, p.Asn439fs (NM_001290021.2); c.1817del, p.Asn606fs (NM_001312689.2); short protein forms N606fs, N439fs, N914fs.
Identifiers: ClinVar variation 2015120 (VCV002015120.4), dbSNP rs764402372, ClinGen allele CA5453119.

ClinVar aggregate classification (germline): Pathogenic (1 of 4 stars; one submission).

Conditions:
Primary ciliary dyskinesia 23 (CILD23). Also called: CILIARY DYSKINESIA, PRIMARY, 23, WITH OR WITHOUT SITUS INVERSUS. Identifiers: Orphanet 244, MedGen C3809548, MONDO:0014193, OMIM 615451.

Submission:

Labcorp Genetics (formerly Invitae), Labcorp
Classification: Pathogenic for Primary ciliary dyskinesia 23. Last evaluated: 2022-03-18. Review status: criteria provided, single submitter. Criteria: Invitae Variant Classification Sherloc (09022015). Collection method: clinical testing. Allele origin: germline.
Comment: This sequence change creates a premature translational stop signal (p.Asn914Ilefs*2) in the ARMC4 gene. It is expected to result in an absent or disrupted protein product. Loss-of-function variants in ARMC4 are known to be pathogenic (PMID: 23849778). This variant is present in population databases (rs764402372, gnomAD 0.04%). This variant has not been reported in the literature in individuals affected with ARMC4-related conditions. For these reasons, this variant has been classified as Pathogenic.

Literature cited by the submitters: PubMed 23849778.